The following is an entry in ClinVar:

NM_000311.5(PRNP):c.650A>G (p.Gln217Arg)

Gene: PRNP (prion protein (Kanno blood group); plus strand). Cytogenetic location: 20p13.
Variant type: single nucleotide variant.
Coding change: c.650A>G on transcript NM_000311.5 (MANE Select); coding-DNA position 650, A replaced by G.
Protein change: p.Gln217Arg; replaces glutamine 217 with arginine.
Molecular consequence: missense variant. On other transcripts: 3 prime UTR variant (1).
Genome position (GRCh38, 1-based): chr20:4,699,870, A>G. VCF-style: chr20-4699870-A-G. GRCh37 (hg19) VCF-style: chr20-4680516-A-G.
Other names: c.650A>G, p.Gln217Arg (NM_001080121.3, NM_001080122.3, NM_001080123.3 and 1 more transcripts); c.*339A>G (NM_001271561.3); short protein forms Q217R.
Identifiers: ClinVar variation 13402 (VCV000013402.8), dbSNP rs74315406, ClinGen allele CA256780.

ClinVar aggregate classification (germline): Likely pathogenic. Review status: criteria provided, multiple submitters, no conflicts (2 of 4 stars). 3 submissions from 3 submitters: Likely pathogenic (2). 1 of the submissions does not count toward it. Last evaluated 2024-01-03.

Conditions:
Huntington disease-like 1 (HDL1). Also called: HUNTINGTON-LIKE NEURODEGENERATIVE DISORDER 1; HUNTINGTON-LIKE NEURODEGENERATIVE DISORDER, AUTOSOMAL DOMINANT; PRION DISEASE, EARLY-ONSET, WITH PROMINENT PSYCHIATRIC FEATURES. Identifiers: Orphanet 157941, MedGen C1864112, MONDO:0011299, OMIM 603218.
Gerstmann-Straussler-Scheinker syndrome (GSD). Also called: CEREBELLAR ATAXIA, PROGRESSIVE DEMENTIA, AND AMYLOID DEPOSITS IN CNS; Spinocerebellar ataxia and plaque-like deposits; Gerstmann-Sträussler-Scheinker Syndrome (GSS); GERSTMANN-STRAUSSLER DISEASE; PRION DEMENTIA; Spongiform encephalopathy. Identifiers: Orphanet 356, MedGen C0017495, MONDO:0007656, OMIM 137440.
PRNP-related disorder. Also called: PRNP-related disorders; PRNP-related condition.

Submissions (3):

Women's Health and Genetics/Laboratory Corporation of America, LabCorp
Classification: Likely pathogenic for PRNP-Related Disorders. Last evaluated: 2024-01-03. Review status: criteria provided, single submitter. Criteria: LabCorp Variant Classification Summary - May 2015. Collection method: clinical testing. Allele origin: germline.
Comment: Variant summary: PRNP c.650A>G (p.Gln217Arg) results in a conservative amino acid change located in the Prion/Doppel protein, beta-ribbon domain (IPR022416) of the encoded protein sequence. Four of five in-silico tools predict a damaging effect of the variant on protein function. The variant was absent in 251422 control chromosomes. These data indicate that the variant is likely to be associated with disease. Several publications reporting experimental evidence demonstrate that variant has an impact on protein stability and function (Apetri_2004, Jodoin_2009, Liemann_1999, Martinez_2015, Singh_2015) . The following publications have been ascertained in the context of this evaluation (PMID: 14761942, 1363810, 19680558, 10079068, 26323476, 25959220, 16025285). One submitter has cited clinical-significance assessments for this variant to ClinVar after 2014 and has classified the variant as likely pathogenic. Based on the evidence outlined above, the variant was classified as likely pathogenic.

Labcorp Genetics (formerly Invitae), Labcorp
Classification: Likely pathogenic for Huntington disease-like 1. Last evaluated: 2021-10-14. Review status: criteria provided, single submitter. Criteria: Invitae Variant Classification Sherloc (09022015). Collection method: clinical testing. Allele origin: germline.
Comment: This variant is not present in population databases (ExAC no frequency). This missense change has been observed in individuals with Gerstmann-Sträussler-Scheinker syndrome (PMID: 1363810, 16025285). ClinVar contains an entry for this variant (Variation ID: 13402). Algorithms developed to predict the effect of missense changes on protein structure and function (SIFT, PolyPhen-2, Align-GVGD) all suggest that this variant is likely to be tolerated. Experimental studies have shown that this missense change affects PRNP function (PMID: 10079068, 10970892, 14761942, 19680558, 25959220, 26323476). Algorithms developed to predict the effect of sequence changes on RNA splicing suggest that this variant may create or strengthen a splice site. In summary, the currently available evidence indicates that the variant is pathogenic, but additional data are needed to prove that conclusively. Therefore, this variant has been classified as Likely Pathogenic. This sequence change replaces glutamine with arginine at codon 217 of the PRNP protein (p.Gln217Arg). The glutamine residue is moderately conserved and there is a small physicochemical difference between glutamine and arginine.

OMIM
Classification: Pathogenic for GERSTMANN-STRAUSSLER DISEASE. Last evaluated: 1992-04-01. Review status: no assertion criteria provided. Collection method: literature only. Allele origin: germline. Not counted in ClinVar's aggregate classification.

Literature cited by the submitters: PubMed 14761942 (cited by Women's Health and Genetics/Laboratory Corporation of America, LabCorp and Labcorp Genetics (formerly Invitae), Labcorp); PubMed 1363810 (cited by 3 submitters); PubMed 19680558 (cited by Women's Health and Genetics/Laboratory Corporation of America, LabCorp and Labcorp Genetics (formerly Invitae), Labcorp); PubMed 10079068 (cited by Women's Health and Genetics/Laboratory Corporation of America, LabCorp and Labcorp Genetics (formerly Invitae), Labcorp); PubMed 26323476 (cited by Women's Health and Genetics/Laboratory Corporation of America, LabCorp and Labcorp Genetics (formerly Invitae), Labcorp); PubMed 25959220 (cited by Women's Health and Genetics/Laboratory Corporation of America, LabCorp and Labcorp Genetics (formerly Invitae), Labcorp); PubMed 16025285 (cited by Women's Health and Genetics/Laboratory Corporation of America, LabCorp and Labcorp Genetics (formerly Invitae), Labcorp); PubMed 10970892 (cited by Labcorp Genetics (formerly Invitae), Labcorp).